The following is an entry in ClinVar:

NM_000143.4(FH):c.480A>T (p.Arg160Ser)

Gene: FH (fumarate hydratase; minus strand). Cytogenetic location: 1q43.
Variant type: single nucleotide variant.
Coding change: c.480A>T on transcript NM_000143.4 (MANE Select); coding-DNA position 480, A replaced by T.
Protein change: p.Arg160Ser; replaces arginine 160 with serine.
Molecular consequence: missense variant.
Genome position (GRCh38, 1-based): chr1:241,512,042, T>A on the plus strand (A>T on the coding strand, the complement: FH is on the minus strand). VCF-style: chr1-241512042-T-A. GRCh37 (hg19) VCF-style: chr1-241675342-T-A.
Other names: short protein forms R160S.
Identifiers: ClinVar variation 1995034 (VCV001995034.4), dbSNP rs2147921868, ClinGen allele CA345440009.
Genomic context (GRCh38, chr1:241,512,042, plus strand): 5'-ATGATCGTTGGGATGCACAGGTATCTTGCTGCCAAGTTCACCTCCTAACATTTCAATTGC[T>A]CTATTGCTAATGACTTCATTTACATTCATATTTGTCTGAGTTCCTGATCCAGTCTGCCAT-3'
Protein context (NP_000134.2, residues 150-170): NMNVNEVISN[Arg160Ser]AIEMLGGELG

ClinVar aggregate classification (germline): Likely pathogenic (1 of 4 stars; one submission).

Submission:

Labcorp Genetics (formerly Invitae), Labcorp
Classification: Likely pathogenic. Last evaluated: 2023-07-26. Review status: criteria provided, single submitter. Criteria: Invitae Variant Classification Sherloc (09022015). Collection method: clinical testing. Allele origin: germline.
Comment: Advanced modeling of protein sequence and biophysical properties (such as structural, functional, and spatial information, amino acid conservation, physicochemical variation, residue mobility, and thermodynamic stability) performed at Invitae indicates that this missense variant is expected to disrupt FH protein function. This variant disrupts the p.Arg160 amino acid residue in FH. Other variant(s) that disrupt this residue have been determined to be pathogenic (PMID: 15937070; Invitae). This suggests that this residue is clinically significant, and that variants that disrupt this residue are likely to be disease-causing. In summary, the currently available evidence indicates that the variant is pathogenic, but additional data are needed to prove that conclusively. Therefore, this variant has been classified as Likely Pathogenic. ClinVar contains an entry for this variant (Variation ID: 1995034). This sequence change replaces arginine, which is basic and polar, with serine, which is neutral and polar, at codon 160 of the FH protein (p.Arg160Ser). This variant is not present in population databases (gnomAD no frequency). This variant has not been reported in the literature in individuals affected with FH-related conditions.

Literature cited by the submitters: PubMed 15937070.